The following is an entry in ClinVar:

NM_012108.4(STAP1):c.637A>G (p.Ile213Val)

Gene: STAP1 (signal transducing adaptor family member 1; plus strand). Cytogenetic location: 4q13.2.
Variant type: single nucleotide variant.
Coding change: c.637A>G on transcript NM_012108.4 (MANE Select); coding-DNA position 637, A replaced by G.
Protein change: p.Ile213Val; replaces isoleucine 213 with valine.
Molecular consequence: missense variant.
Genome position (GRCh38, 1-based): chr4:67,583,680, A>G. VCF-style: chr4-67583680-A-G. GRCh37 (hg19) VCF-style: chr4-68449398-A-G.
Other names: c.637A>G, p.Ile213Val (NM_001317769.2); short protein forms I213V.
Identifiers: ClinVar variation 1753152 (VCV001753152.2), dbSNP rs1727916900, ClinGen allele CA357053398.

ClinVar aggregate classification (germline): Uncertain significance (1 of 4 stars; one submission).

Submission:

Ambry Genetics
Classification: Uncertain significance. Last evaluated: 2021-11-22. Review status: criteria provided, single submitter. Criteria: Ambry Variant Classification Scheme 2023. Collection method: clinical testing. Allele origin: germline.
Comment: The p.I213V variant (also known as c.637A>G), located in coding exon 6 of the STAP1 gene, results from an A to G substitution at nucleotide position 637. The isoleucine at codon 213 is replaced by valine, an amino acid with highly similar properties. This amino acid position is conserved. In addition, this alteration is predicted to be tolerated by in silico analysis. Since supporting evidence is limited at this time, the clinical significance of this alteration remains unclear.